The following is an entry in ClinVar:

ClinVar aggregate classification (germline): Benign/Likely benign. Review status: criteria provided, multiple submitters, no conflicts (2 of 4 stars). 2 submissions from 2 submitters: Benign (1); Likely benign (1). Last evaluated 2025-12-01.

Allele frequency attached by ClinVar (database versions not stated): gnomAD 0.00006; TOPMed 0.00014; 1000 Genomes Project 0.00060; 1000 Genomes Project 30x 0.00125.
gnomAD v4.1: 288 of 1,614,144 alleles (0.018%); highest among the groups gnomAD compares: South Asian, 0.26%; 3 homozygotes.

Submissions (2):

CeGaT Center for Human Genetics Tuebingen
Classification: Likely benign. Last evaluated: 2025-12-01. Review status: criteria provided, single submitter. Criteria: CeGaT Center For Human Genetics Tuebingen Variant Classification Criteria Version 2. Collection method: clinical testing. Allele origin: germline. Affected: yes. Observed: 1 variant allele.
Comment: CAMTA1: BP4, BP7

Labcorp Genetics (formerly Invitae), Labcorp
Classification: Benign. Last evaluated: 2025-06-19. Review status: criteria provided, single submitter. Criteria: Invitae Variant Classification Sherloc (09022015). Collection method: clinical testing. Allele origin: germline.

NM_015215.4(CAMTA1):c.3216C>T (p.Ala1072=)

Gene: CAMTA1 (calmodulin binding transcription activator 1; plus strand). Cytogenetic location: 1p36.23.
Variant type: single nucleotide variant.
Coding change: c.3216C>T on transcript NM_015215.4 (MANE Select); coding-DNA position 3216, C replaced by T.
Protein change: p.Ala1072=; no amino-acid change (alanine 1072 retained).
Molecular consequence: synonymous variant.
Genome position (GRCh38, 1-based): chr1:7,736,493, C>T. VCF-style: chr1-7736493-C-T. GRCh37 (hg19) VCF-style: chr1-7796553-C-T.
Other names: c.3126C>T, p.Ala1042= (NM_001349608.2, NM_001349612.2); c.3216C>T, p.Ala1072= (NM_001349609.2, NM_001349610.2); c.345C>T, p.Ala115= (NM_001349613.1); c.288C>T, p.Ala96= (NM_001349614.1, NM_001349615.2, NM_001349616.2 and 10 more transcripts).
Identifiers: ClinVar variation 726034 (VCV000726034.11), dbSNP rs140139043, ClinGen allele CA566859.